The following is an entry in ClinVar:

NM_001458.5(FLNC):c.7408C>G (p.Pro2470Ala)

Genes: FLNC (filamin C; plus strand), FLNC-AS1 (FLNC antisense RNA 1; minus strand). Cytogenetic location: 7q32.1.
Variant type: single nucleotide variant.
Coding change: c.7408C>G on transcript NM_001458.5 (MANE Select); coding-DNA position 7408, C replaced by G.
Protein change: p.Pro2470Ala; replaces proline 2470 with alanine.
Molecular consequence: missense variant.
Genome position (GRCh38, 1-based): chr7:128,856,768, C>G. VCF-style: chr7-128856768-C-G. GRCh37 (hg19) VCF-style: chr7-128496822-C-G.
Other names: c.7309C>G, p.Pro2437Ala (NM_001127487.2); short protein forms P2437A, P2470A.
Identifiers: ClinVar variation 2450881 (VCV002450881.2), dbSNP rs2536670217, ClinGen allele CA369217263.

ClinVar aggregate classification (germline): Uncertain significance (1 of 4 stars; one submission).

Conditions:
Cardiovascular phenotype. Identifiers: MedGen CN230736.

Submission:

Ambry Genetics
Classification: Uncertain significance for Cardiovascular phenotype. Last evaluated: 2022-11-10. Review status: criteria provided, single submitter. Criteria: Ambry Variant Classification Scheme 2023. Collection method: clinical testing. Allele origin: germline.
Comment: The p.P2470A variant (also known as c.7408C>G), located in coding exon 45 of the FLNC gene, results from a C to G substitution at nucleotide position 7408. The proline at codon 2470 is replaced by alanine, an amino acid with highly similar properties. This amino acid position is conserved. In addition, this alteration is predicted to be deleterious by in silico analysis. Since supporting evidence is limited at this time, the clinical significance of this alteration remains unclear.